The following is an entry in ClinVar:

ClinVar aggregate classification (germline): Pathogenic. Review status: criteria provided, multiple submitters, no conflicts (2 of 4 stars). 2 submissions from 2 submitters: Pathogenic (2). Last evaluated 2022-03-30.

Conditions:
Hereditary cancer-predisposing syndrome. Also called: Tumor predisposition; Hereditary Cancer Syndrome; Neoplastic Syndromes, Hereditary; Hereditary neoplastic syndrome. Identifiers: Orphanet 140162, MedGen C0027672, MeSH D009386, MONDO:0015356.
Gorlin syndrome. Also called: Basal cell nevus syndrome; Nevoid Basal Cell Carcinoma Syndrome. Identifiers: Orphanet 377, MedGen C0004779, MONDO:0007187.

Submissions (2):

Ambry Genetics
Classification: Pathogenic for Hereditary cancer-predisposing syndrome. Last evaluated: 2022-03-30. Review status: criteria provided, single submitter. Criteria: Ambry Variant Classification Scheme 2023. Collection method: clinical testing. Allele origin: germline.
Comment: The p.Q688* pathogenic mutation (also known as c.2062C>T), located in coding exon 14 of the PTCH1 gene, results from a C to T substitution at nucleotide position 2062. This changes the amino acid from a glutamine to a stop codon within coding exon 14. This mutation was identified in one individual out of a cohort of 71 unrelated individuals with nevoid basal cell carcinoma syndrome (NBCCS) (Wicking C et al. Am J Hum Genet, 1997 Jan;60:21-6). This mutation was also identified in a patient with a history of keratocystic odontogenic tumor, >10 basal cell carcinomas, and bifid rib who had a daughter with polydactaly and bifid rib (Pastorino L et al. PLoS One, 2012 Aug;7:e43827). In addition to the clinical data presented in the literature, this alteration is expected to result in loss of function by premature protein truncation or nonsense-mediated mRNA decay. As such, this alteration is interpreted as a disease-causing mutation.

Labcorp Genetics (formerly Invitae), Labcorp
Classification: Pathogenic for Gorlin syndrome. Last evaluated: 2018-01-20. Review status: criteria provided, single submitter. Criteria: Invitae Variant Classification Sherloc (09022015). Collection method: clinical testing. Allele origin: germline.
Comment: This variant has been reported in an individual affected with nevoid basal cell carcinoma syndrome (PMID: 8981943, 22952776). ClinVar contains an entry for this variant (Variation ID: 45381). This variant is not present in population databases (ExAC no frequency). This sequence change creates a premature translational stop signal (p.Gln688*) in the PTCH1 gene. It is expected to result in an absent or disrupted protein product. Loss-of-function variants in PTCH1 are known to be pathogenic (PMID: 16301862, 16419085). For these reasons, this variant has been classified as Pathogenic.

Literature cited by the submitters: PubMed 22952776 (cited by Ambry Genetics and Labcorp Genetics (formerly Invitae), Labcorp); PubMed 8981943 (cited by Ambry Genetics and Labcorp Genetics (formerly Invitae), Labcorp); PubMed 16301862 (cited by Labcorp Genetics (formerly Invitae), Labcorp); PubMed 16419085 (cited by Labcorp Genetics (formerly Invitae), Labcorp).

NM_000264.5(PTCH1):c.2062C>T (p.Gln688Ter)

Genes: PTCH1 (patched 1; minus strand), LOC100507346 (uncharacterized LOC100507346; plus strand). Cytogenetic location: 9q22.32.
Variant type: single nucleotide variant.
Coding change: c.2062C>T on transcript NM_000264.5 (MANE Select); coding-DNA position 2062, C replaced by T.
Protein change: p.Gln688Ter; replaces glutamine 688 with a stop codon.
Molecular consequence: nonsense. On other transcripts: non-coding transcript variant (2).
Genome position (GRCh38, 1-based): chr9:95,468,939, G>A on the plus strand (C>T on the coding strand, the complement: PTCH1 is on the minus strand). VCF-style: chr9-95468939-G-A. GRCh37 (hg19) VCF-style: chr9-98231221-G-A.
Other names: c.1864C>T, p.Gln622Ter (NM_001083602.3); c.2059C>T, p.Gln687Ter (NM_001083603.3); c.1609C>T, p.Gln537Ter (NM_001083604.3, NM_001083605.3, NM_001083606.3 and 1 more transcripts); c.1906C>T, p.Gln636Ter (NM_001354918.2); short protein forms Q688*, Q622*, Q687*, Q636*, Q537*.
Identifiers: ClinVar variation 453812 (VCV000453812.11), dbSNP rs1554695039, ClinGen allele CA374115737.